The following is an entry in ClinVar:

NM_005051.3(QARS1):c.487A>G (p.Lys163Glu)

Gene: QARS1 (glutaminyl-tRNA synthetase 1; minus strand). Cytogenetic location: 3p21.31.
Variant type: single nucleotide variant.
Coding change: c.487A>G on transcript NM_005051.3 (MANE Select); coding-DNA position 487, A replaced by G.
Protein change: p.Lys163Glu; replaces lysine 163 with glutamic acid.
Molecular consequence: missense variant. On other transcripts: non-coding transcript variant (1).
Genome position (GRCh38, 1-based): chr3:49,103,374, T>C on the plus strand (A>G on the coding strand, the complement: QARS1 is on the minus strand). VCF-style: chr3-49103374-T-C. GRCh37 (hg19) VCF-style: chr3-49140807-T-C.
Other names: c.454A>G, p.Lys152Glu (NM_001272073.2); short protein forms K163E, K152E.
Identifiers: ClinVar variation 452204 (VCV000452204.9), dbSNP rs1398173228, ClinGen allele CA352718660.

ClinVar aggregate classification (germline): Conflicting classifications of pathogenicity. Review status: criteria provided, conflicting classifications (1 of 4 stars). 2 submissions from 2 submitters: Likely pathogenic (1); Uncertain significance (1). Last evaluated 2025-09-30.

Conditions:
Diffuse cerebral and cerebellar atrophy - intractable seizures - progressive microcephaly syndrome. Also called: Microcephaly, progressive, with seizures and cerebral and cerebellar atrophy. Identifiers: Orphanet 404437, MedGen C4014239, MONDO:0014335, OMIM 615760.

Allele frequency attached by ClinVar (database versions not stated): gnomAD exomes 0.00002 and 0.00001; TOPMed 0.00002; gnomAD 0.00001.
gnomAD v4.1: 25 of 1,613,980 alleles (0.0015%); highest among the groups gnomAD compares: Non-Finnish European, 0.0021%; no homozygotes.

Submissions (2):

GeneDx
Classification: Likely pathogenic. Last evaluated: 2025-09-30. Review status: criteria provided, single submitter. Criteria: GeneDx Variant Classification Process June 2021. Collection method: clinical testing. Allele origin: germline. Affected: yes.
Comment: Not observed at significant frequency in large population cohorts (gnomAD); In silico analysis supports that this missense variant has a deleterious effect on protein structure/function; Has not been previously published as pathogenic or benign to our knowledge; This variant is associated with the following publications: (PMID: 25471517)

Labcorp Genetics (formerly Invitae), Labcorp
Classification: Uncertain significance for Diffuse cerebral and cerebellar atrophy - intractable seizures - progressive microcephaly syndrome. Last evaluated: 2024-09-16. Review status: criteria provided, single submitter. Criteria: Invitae Variant Classification Sherloc (09022015). Collection method: clinical testing. Allele origin: germline.
Comment: This sequence change replaces lysine, which is basic and polar, with glutamic acid, which is acidic and polar, at codon 163 of the QARS protein (p.Lys163Glu). This variant is present in population databases (no rsID available, gnomAD 0.003%). This variant has not been reported in the literature in individuals affected with QARS-related conditions. ClinVar contains an entry for this variant (Variation ID: 452204). Invitae Evidence Modeling of protein sequence and biophysical properties (such as structural, functional, and spatial information, amino acid conservation, physicochemical variation, residue mobility, and thermodynamic stability) has been performed for this missense variant. However, the output from this modeling did not meet the statistical confidence thresholds required to predict the impact of this variant on QARS protein function. In summary, the available evidence is currently insufficient to determine the role of this variant in disease. Therefore, it has been classified as a Variant of Uncertain Significance.